The following is an entry in ClinVar:

NM_032043.3(BRIP1):c.1448C>A (p.Thr483Asn)

Gene: BRIP1 (BRCA1 interacting DNA helicase 1; minus strand). Cytogenetic location: 17q23.2.
Variant type: single nucleotide variant.
Coding change: c.1448C>A on transcript NM_032043.3 (MANE Select); coding-DNA position 1448, C replaced by A.
Protein change: p.Thr483Asn; replaces threonine 483 with asparagine.
Molecular consequence: missense variant.
Genome position (GRCh38, 1-based): chr17:61,793,622, G>T on the plus strand (C>A on the coding strand, the complement: BRIP1 is on the minus strand). VCF-style: chr17-61793622-G-T. GRCh37 (hg19) VCF-style: chr17-59870983-G-T.
Other names: short protein forms T483N.
Identifiers: ClinVar variation 3825669 (VCV003825669.1).

ClinVar aggregate classification (germline): Uncertain significance (1 of 4 stars; one submission).

Conditions:
Hereditary cancer-predisposing syndrome. Also called: Hereditary neoplastic syndrome; Neoplastic Syndromes, Hereditary; Tumor predisposition; Hereditary Cancer Syndrome. Identifiers: Orphanet 140162, MedGen C0027672, MeSH D009386, MONDO:0015356.

Submission:

Ambry Genetics
Classification: Uncertain significance for Hereditary cancer-predisposing syndrome. Last evaluated: 2024-12-25. Review status: criteria provided, single submitter. Criteria: Ambry Variant Classification Scheme 2023. Collection method: clinical testing. Allele origin: germline.
Comment: The p.T483N variant (also known as c.1448C>A), located in coding exon 9 of the BRIP1 gene, results from a C to A substitution at nucleotide position 1448. The threonine at codon 483 is replaced by asparagine, an amino acid with similar properties. This amino acid position is conserved. In addition, the in silico prediction for this alteration is inconclusive. Based on the available evidence, the clinical significance of this variant remains unclear.